The following is an entry in ClinVar:

ClinVar aggregate classification (germline): Uncertain significance. Review status: criteria provided, multiple submitters, no conflicts (2 of 4 stars). 2 submissions from 2 submitters: Uncertain significance (2). Last evaluated 2025-05-21.

Conditions:
Alstrom syndrome (ALMS). Identifiers: Orphanet 64, MedGen C0268425, MONDO:0008763, OMIM 203800.

Submissions (2):

Labcorp Genetics (formerly Invitae), Labcorp
Classification: Uncertain significance for Alstrom syndrome. Last evaluated: 2025-05-21. Review status: criteria provided, single submitter. Criteria: Invitae Variant Classification Sherloc (09022015). Collection method: clinical testing. Allele origin: germline.
Comment: This sequence change replaces histidine, which is basic and polar, with tyrosine, which is neutral and polar, at codon 3519 of the ALMS1 protein (p.His3519Tyr). This variant is not present in population databases (gnomAD no frequency). This variant has not been reported in the literature in individuals affected with ALMS1-related conditions. ClinVar contains an entry for this variant (Variation ID: 1304821). Experimental studies and prediction algorithms are not available or were not evaluated, and the functional significance of this variant is currently unknown. In summary, the available evidence is currently insufficient to determine the role of this variant in disease. Therefore, it has been classified as a Variant of Uncertain Significance.

GeneDx
Classification: Uncertain significance. Last evaluated: 2019-07-19. Review status: criteria provided, single submitter. Criteria: GeneDx Variant Classification Process June 2021. Collection method: clinical testing. Allele origin: germline. Affected: yes.

NM_001378454.1(ALMS1):c.10552C>T (p.His3518Tyr)

Gene: ALMS1 (ALMS1 centrosome and basal body associated protein; plus strand). Cytogenetic location: 2p13.1.
Variant type: single nucleotide variant.
Coding change: c.10552C>T on transcript NM_001378454.1 (MANE Select); coding-DNA position 10552, C replaced by T.
Protein change: p.His3518Tyr; replaces histidine 3518 with tyrosine.
Molecular consequence: missense variant.
Genome position (GRCh38, 1-based): chr2:73,572,429, C>T. VCF-style: chr2-73572429-C-T. GRCh37 (hg19) VCF-style: chr2-73799556-C-T.
Other names: c.10555C>T, p.His3519Tyr (NM_015120.4); short protein forms H3518Y, H3519Y.
Identifiers: ClinVar variation 1304821 (VCV001304821.3), dbSNP rs2104104161, ClinGen allele CA347283603.